The following is an entry in ClinVar:

NM_001394062.1(MACF1):c.2130C>T (p.Ile710=)

Gene: MACF1 (microtubule actin crosslinking factor 1; plus strand). Cytogenetic location: 1p34.3.
Variant type: single nucleotide variant.
Coding change: c.2130C>T on transcript NM_001394062.1 (MANE Select); coding-DNA position 2130, C replaced by T.
Protein change: p.Ile710=; no amino-acid change (isoleucine 710 retained).
Molecular consequence: synonymous variant.
Genome position (GRCh38, 1-based): chr1:39,293,595, C>T. VCF-style: chr1-39293595-C-T. GRCh37 (hg19) VCF-style: chr1-39759267-C-T.
Other names: c.2145C>T, p.Ile715= (NM_012090.5).
Identifiers: ClinVar variation 1981166 (VCV001981166.29), dbSNP rs375978863, ClinGen allele CA779611.

ClinVar aggregate classification (germline): Likely benign. Review status: criteria provided, multiple submitters, no conflicts (2 of 4 stars). 3 submissions from 3 submitters: Likely benign (3). Last evaluated 2026-01-05.

Allele frequency attached by ClinVar (database versions not stated): ExAC 0.00004; gnomAD 0.00004; TOPMed 0.00004; ESP Exome Variant Server 0.00023.
gnomAD v4.1: 151 of 1,613,112 alleles (0.0094%); highest among the groups gnomAD compares: Non-Finnish European, 0.012%; no homozygotes.

Submissions (3):

Labcorp Genetics (formerly Invitae), Labcorp
Classification: Likely benign. Last evaluated: 2026-01-05. Review status: criteria provided, single submitter. Criteria: Invitae Variant Classification Sherloc (09022015). Collection method: clinical testing. Allele origin: germline.

Blueprint Genetics
Classification: Likely benign. Last evaluated: 2024-11-14. Review status: criteria provided, single submitter. Criteria: ACMG Guidelines, 2015. Collection method: clinical testing. Allele origin: germline.

CeGaT Center for Human Genetics Tuebingen
Classification: Likely benign. Last evaluated: 2023-06-01. Review status: criteria provided, single submitter. Criteria: CeGaT Center For Human Genetics Tuebingen Variant Classification Criteria Version 2. Collection method: clinical testing. Allele origin: germline. Affected: yes. Observed: 1 variant allele.
Comment: MACF1: BP4, BP7